The following is an entry in ClinVar:

ClinVar aggregate classification (germline): Uncertain significance. Review status: criteria provided, multiple submitters, no conflicts (2 of 4 stars). 3 submissions from 3 submitters: Uncertain significance (3). Last evaluated 2025-10-17.

Conditions:
Arginine:glycine amidinotransferase deficiency (CCDS3). Also called: AGAT deficiency; Cerebral creatine deficiency syndrome 3; L-Arginine:Glycine Amidinotransferase Deficiency; Creatine deficiency syndrome due to AGAT deficiency; GATM deficiency; L-Arginine:Glycine Amidinotransferase (AGAT) Deficiency. Identifiers: Orphanet 35704, MedGen C2675179, MONDO:0012996, OMIM 612718.
Fanconi renotubular syndrome 1. Also called: Toni-Debre-Fanconi syndrome; Neonatal De Toni-Debre-Fanconi syndrome; De Toni-Fanconi syndrome; LUDER-SHELDON SYNDROME; FRTS1. Identifiers: MedGen C4551503, MONDO:0024525, OMIM 134600.

Allele frequency attached by ClinVar (database versions not stated): TOPMed below 0.00001; gnomAD exomes 0.00001 and 0.00002; ExAC 0.00002.

Submissions (3):

Labcorp Genetics (formerly Invitae), Labcorp
Classification: Uncertain significance for Arginine:glycine amidinotransferase deficiency. Last evaluated: 2025-10-17. Review status: criteria provided, single submitter. Criteria: Invitae Variant Classification Sherloc (09022015). Collection method: clinical testing. Allele origin: germline.
Comment: This sequence change falls in intron 5 of the GATM gene. It does not directly change the encoded amino acid sequence of the GATM protein. It affects a nucleotide within the consensus splice site. This variant is present in population databases (rs771050735, gnomAD 0.006%). This variant has not been reported in the literature in individuals affected with GATM-related conditions. ClinVar contains an entry for this variant (Variation ID: 1037641). Variants that disrupt the consensus splice site are a relatively common cause of aberrant splicing (PMID: 17576681, 9536098). Algorithms developed to predict the effect of sequence changes on RNA splicing suggest that this variant is not likely to affect RNA splicing. In summary, the available evidence is currently insufficient to determine the role of this variant in disease. Therefore, it has been classified as a Variant of Uncertain Significance.

Fulgent Genetics
Classification: Uncertain significance for Fanconi renotubular syndrome 1; Arginine:glycine amidinotransferase deficiency. Last evaluated: 2022-05-04. Review status: criteria provided, single submitter. Criteria: ACMG Guidelines, 2015. Collection method: clinical testing. Allele origin: unknown.

Breakthrough Genomics
Classification: Uncertain significance. Review status: criteria provided, single submitter. Criteria: ACMG Guidelines, 2015. Collection method: not provided. Allele origin: germline. Inheritance: Autosomal recessive inheritance. Affected: yes.

Literature cited by the submitters: PubMed 17576681 (cited by Labcorp Genetics (formerly Invitae), Labcorp); PubMed 9536098 (cited by Labcorp Genetics (formerly Invitae), Labcorp).

NM_001482.3(GATM):c.813+6C>T

Gene: GATM (glycine amidinotransferase; minus strand). Cytogenetic location: 15q21.1.
Variant type: single nucleotide variant.
Coding change: c.813+6C>T on transcript NM_001482.3 (MANE Select); 6 bases into the intron after coding-DNA position 813, C replaced by T.
Molecular consequence: intron variant.
Genome position (GRCh38, 1-based): chr15:45,366,365, G>A on the plus strand (C>T on the coding strand, the complement: GATM is on the minus strand). VCF-style: chr15-45366365-G-A. GRCh37 (hg19) VCF-style: chr15-45658563-G-A.
Other names: c.426+6C>T (NM_001321015.2).
Identifiers: ClinVar variation 1037641 (VCV001037641.8), dbSNP rs771050735, ClinGen allele CA7542854.
Genomic context (GRCh38, chr15:45,366,365, plus strand): 5'-TATTTTAATTTGGAAGTAAAGAATACAATAATATAGTGTGAAATTTCAGAGGCAGCCTGC[G>A]TTCACCTGGCTTCTCTGTGCAAAAATATCTCTTCCAGCTCGAATGAAGTCAGCAGCATCA-3'